The following is an entry in ClinVar:

NM_004329.3(BMPR1A):c.777G>A (p.Ala259=)

Gene: BMPR1A (bone morphogenetic protein receptor type 1A; plus strand). Cytogenetic location: 10q23.2.
Variant type: single nucleotide variant.
Coding change: c.777G>A on transcript NM_004329.3 (MANE Select); coding-DNA position 777, G replaced by A.
Protein change: p.Ala259=; no amino-acid change (alanine 259 retained).
Molecular consequence: synonymous variant.
Genome position (GRCh38, 1-based): chr10:86,917,235, G>A. VCF-style: chr10-86917235-G-A. GRCh37 (hg19) VCF-style: chr10-88676992-G-A.
Other names: p.A259A:GCG>GCA.
Identifiers: ClinVar variation 136524 (VCV000136524.77), dbSNP rs56108371, ClinGen allele CA289720.
Genomic context (GRCh38, chr10:86,917,235, plus strand): 5'-AGTTGGTAAAGGCCGATATGGAGAAGTATGGATGGGCAAATGGCGTGGCGAAAAAGTGGC[G>A]GTGAAAGTATTCTTTACCACTGAAGAAGCCAGCTGGTTTCGAGAAACAGAAATCTACCAA-3'
Protein context (NP_004320.2, residues 249-269): WMGKWRGEKV[Ala259=]VKVFFTTEEA

ClinVar aggregate classification (germline): Benign/Likely benign. Review status: criteria provided, multiple submitters, no conflicts (2 of 4 stars). 21 submissions from 21 submitters: Benign (11); Likely benign (9). 1 of the submissions does not count toward it. Last evaluated 2026-02-04.

Conditions:
Juvenile polyposis syndrome (JPS). Identifiers: Orphanet 2929, MedGen C0345893, MONDO:0017380, OMIM 174900.
Polyposis syndrome, hereditary mixed, 2. Identifiers: Orphanet 157794, MedGen C1864730, MONDO:0012405, OMIM 610069.
Hereditary cancer-predisposing syndrome. Also called: Tumor predisposition; Hereditary neoplastic syndrome; Hereditary Cancer Syndrome; Neoplastic Syndromes, Hereditary. Identifiers: Orphanet 140162, MedGen C0027672, MeSH D009386, MONDO:0015356.
Generalized juvenile polyposis/juvenile polyposis coli. Also called: Juvenile polyposis coli. Identifiers: Orphanet 329971, MedGen C1868081, MONDO:0008276.

Allele frequency attached by ClinVar (database versions not stated): gnomAD exomes 0.00085; ExAC 0.00094; gnomAD 0.00192 and 0.00200; TOPMed 0.00201; 1000 Genomes Project 30x 0.00203; 1000 Genomes Project 0.00240.
gnomAD v4.1: 1,538 of 1,613,860 alleles (0.095%); highest among the groups gnomAD compares: East Asian, 1.9%; 17 homozygotes.

Submissions (21):

Labcorp Genetics (formerly Invitae), Labcorp
Classification: Benign for Juvenile polyposis syndrome. Last evaluated: 2026-02-04. Review status: criteria provided, single submitter. Criteria: Invitae Variant Classification Sherloc (09022015). Collection method: clinical testing. Allele origin: germline.

ARUP Laboratories, Molecular Genetics and Genomics, ARUP Laboratories
Classification: Benign. Last evaluated: 2025-04-09. Review status: criteria provided, single submitter. Criteria: ARUP Molecular Germline Variant Investigation Process 2024. Collection method: clinical testing. Allele origin: germline.

Quest Diagnostics Nichols Institute San Juan Capistrano
Classification: Benign. Last evaluated: 2025-03-28. Review status: criteria provided, single submitter. Criteria: Quest Diagnostics criteria. Collection method: clinical testing. Allele origin: unknown.

Center for Genomic Medicine, Rigshospitalet, Copenhagen University Hospital
Classification: Likely benign. Last evaluated: 2025-03-04. Review status: criteria provided, single submitter. Criteria: ACMG Guidelines, 2015. Collection method: clinical testing. Allele origin: germline.

Laboratory of Genetics, Children's Clinical University Hospital Latvia
Classification: Likely benign. Last evaluated: 2025-02-16. Review status: criteria provided, single submitter. Criteria: ACMG Guidelines, 2015. Collection method: clinical testing. Allele origin: germline. Affected: yes.

Blueprint Genetics
Classification: Likely benign. Last evaluated: 2024-11-21. Review status: criteria provided, single submitter. Criteria: ACMG Guidelines, 2015. Collection method: clinical testing. Allele origin: germline.

Myriad Genetics, Inc.
Classification: Benign for Juvenile polyposis syndrome. Last evaluated: 2024-08-05. Review status: criteria provided, single submitter. Criteria: Myriad Autosomal Dominant, Autosomal Recessive and X-Linked Classification Criteria (2023). Collection method: clinical testing. Allele origin: unknown.
Comment: This variant is considered benign. This variant is a silent/synonymous amino acid change and it is not expected to impact splicing.

CeGaT Center for Human Genetics Tuebingen
Classification: Benign. Last evaluated: 2024-05-01. Review status: criteria provided, single submitter. Criteria: CeGaT Center For Human Genetics Tuebingen Variant Classification Criteria Version 2. Collection method: clinical testing. Allele origin: germline. Affected: yes. Observed: 8 variant alleles.
Comment: BMPR1A: BP4, BP7, BS1, BS2

All of Us Research Program, National Institutes of Health
Classification: Benign for Juvenile polyposis syndrome. Last evaluated: 2024-02-05. Review status: criteria provided, single submitter. Criteria: ACMG Guidelines, 2015. Collection method: clinical testing. Allele origin: germline. Inheritance: Autosomal dominant inheritance. Observed: 153 variant alleles, 152 heterozygotes, 1 homozygote.
Comment: This study involves interpretation of variants in research participants for the purpose of population health screening. Participant phenotype was not available at the time of variant classification. Additional details can be found in publication PMID: 35346344, PMCID: PMC8962531

Department of Pathology and Laboratory Medicine, Sinai Health System
Classification: Likely benign for Polyposis syndrome, hereditary mixed, 2; Juvenile polyposis syndrome. Last evaluated: 2023-11-13. Review status: criteria provided, single submitter. Criteria: ACMG Guidelines, 2015. Collection method: clinical testing. Allele origin: germline. Affected: yes.

KCCC/NGS Laboratory, Kuwait Cancer Control Center
Classification: Benign for Juvenile polyposis syndrome. Last evaluated: 2023-07-07. Review status: criteria provided, single submitter. Criteria: ACMG Guidelines, 2015. Collection method: clinical testing. Allele origin: germline. Affected: yes.

Genetic Services Laboratory, University of Chicago
Classification: Likely benign. Last evaluated: 2021-11-30. Review status: criteria provided, single submitter. Criteria: ACMG Guidelines, 2015. Collection method: clinical testing. Allele origin: germline. Affected: no.

Sema4
Classification: Likely benign for Hereditary cancer-predisposing syndrome. Last evaluated: 2021-02-17. Review status: criteria provided, single submitter. Criteria: Sema4 Curation Guidelines. Collection method: curation. Allele origin: germline.

Illumina Laboratory Services, Illumina
Classification: Likely benign for Juvenile polyposis syndrome. Last evaluated: 2018-10-29. Review status: criteria provided, single submitter. Criteria: ICSL Variant Classification Criteria 13 December 2019. Collection method: clinical testing. Allele origin: germline.
Comment: This variant was observed as part of a predisposition screen in an ostensibly healthy population. A literature search was performed for the gene, cDNA change, and amino acid change (where applicable). No publications were found based on this search. Allele frequency data from public databases allowed determination this variant is unlikely to cause disease. Therefore, this variant is classified as likely benign.

PreventionGenetics, part of Exact Sciences
Classification: Benign. Last evaluated: 2017-01-06. Review status: criteria provided, single submitter. Criteria: ACMG Guidelines, 2015. Collection method: clinical testing. Allele origin: germline.

Women's Health and Genetics/Laboratory Corporation of America, LabCorp
Classification: Benign. Last evaluated: 2016-07-01. Review status: criteria provided, single submitter. Criteria: LabCorp Variant Classification Summary - May 2015. Collection method: clinical testing. Allele origin: germline.
Comment: Variant summary: The BMPR1A c.777G>A (p.Ala259Ala) variant involves the alteration of a non-conserved nucleotide, resulting in a synonymous change. One in silico tool predicts a damaging outcome for this variant while 4/5 splice tools predict the variant not to have an impact on normal splicing. This variant was found in 113/120202 control chromosomes at a frequency of 0.0009401, which is approximately 470 times the estimated maximal expected allele frequency of a pathogenic BMPR1A variant (0.000002), suggesting this variant is likely a benign polymorphism. In addition, multiple clinical diagnostic laboratories/reputable databases classified this variant as Benign/Likely Benign. Taken together, this variant is classified as Benign.

Color Diagnostics, LLC DBA Color Health
Classification: Benign for Hereditary cancer-predisposing syndrome. Last evaluated: 2016-03-21. Review status: criteria provided, single submitter. Criteria: ACMG Guidelines, 2015. Collection method: clinical testing. Allele origin: germline.

Ambry Genetics
Classification: Likely benign for Hereditary cancer-predisposing syndrome. Last evaluated: 2014-10-06. Review status: criteria provided, single submitter. Criteria: Ambry Variant Classification Scheme 2023. Collection method: clinical testing. Allele origin: germline.

GeneDx
Classification: Benign. Last evaluated: 2014-04-21. Review status: criteria provided, single submitter. Criteria: GeneDx Variant Classification (06012015). Collection method: clinical testing. Allele origin: germline. Affected: yes.
Comment: This variant is considered likely benign or benign based on one or more of the following criteria: it is a conservative change, it occurs at a poorly conserved position in the protein, it is predicted to be benign by multiple in silico algorithms, and/or has population frequency not consistent with disease.

Breakthrough Genomics
Classification: Likely benign. Review status: criteria provided, single submitter. Criteria: ACMG Guidelines, 2015. Collection method: not provided. Allele origin: germline. Inheritance: Autosomal dominant inheritance. Affected: yes.

True Health Diagnostics
Classification: Likely benign for Hereditary cancer-predisposing syndrome. Last evaluated: 2018-04-27. Review status: no assertion criteria provided. Collection method: clinical testing. Allele origin: germline. Not counted in ClinVar's aggregate classification.

Literature cited by the submitters: PubMed 12676908 (cited by 3 submitters).